The following is an entry in ClinVar:

NM_021828.5(HPSE2):c.1664T>G (p.Leu555Arg)

Gene: HPSE2 (heparanase 2 (inactive); minus strand). Cytogenetic location: 10q24.2.
Variant type: single nucleotide variant.
Coding change: c.1664T>G on transcript NM_021828.5 (MANE Select); coding-DNA position 1664, T replaced by G.
Protein change: p.Leu555Arg; replaces leucine 555 with arginine.
Molecular consequence: missense variant. On other transcripts: 3 prime UTR variant (1).
Genome position (GRCh38, 1-based): chr10:98,459,689, A>C on the plus strand (T>G on the coding strand, the complement: HPSE2 is on the minus strand). VCF-style: chr10-98459689-A-C. GRCh37 (hg19) VCF-style: chr10-100219446-A-C.
Other names: c.1490T>G, p.Leu497Arg (NM_001166244.1); c.1328T>G, p.Leu443Arg (NM_001166245.1); c.*87T>G (NM_001166246.1); short protein forms L497R, L443R, L555R.
Identifiers: ClinVar variation 2841396 (VCV002841396.3), dbSNP rs2539182972, ClinGen allele CA378060337.

ClinVar aggregate classification (germline): Uncertain significance (1 of 4 stars; one submission).

Submission:

Labcorp Genetics (formerly Invitae), Labcorp
Classification: Uncertain significance. Last evaluated: 2023-08-17. Review status: criteria provided, single submitter. Criteria: Invitae Variant Classification Sherloc (09022015). Collection method: clinical testing. Allele origin: germline.
Comment: This variant is not present in population databases (gnomAD no frequency). In summary, the available evidence is currently insufficient to determine the role of this variant in disease. Therefore, it has been classified as a Variant of Uncertain Significance. An algorithm developed to predict the effect of missense changes on protein structure and function (PolyPhen-2) suggests that this variant is likely to be disruptive. This variant has not been reported in the literature in individuals affected with HPSE2-related conditions. This sequence change replaces leucine, which is neutral and non-polar, with arginine, which is basic and polar, at codon 555 of the HPSE2 protein (p.Leu555Arg).